The following is an entry in ClinVar:

NM_000419.5(ITGA2B):c.957T>A (p.Tyr319Ter)

Gene: ITGA2B (integrin subunit alpha 2b; minus strand). Cytogenetic location: 17q21.31.
Variant type: single nucleotide variant.
Coding change: c.957T>A on transcript NM_000419.5 (MANE Select); coding-DNA position 957, T replaced by A.
Protein change: p.Tyr319Ter; replaces tyrosine 319 with a stop codon.
Molecular consequence: nonsense.
Genome position (GRCh38, 1-based): chr17:44,383,935, A>T on the plus strand (T>A on the coding strand, the complement: ITGA2B is on the minus strand). VCF-style: chr17-44383935-A-T. GRCh37 (hg19) VCF-style: chr17-42461303-A-T.
Other names: NM_000419.5:c.957T>A; short protein forms Y319*.
Identifiers: ClinVar variation 1691463 (VCV001691463.2), dbSNP rs2143478260, ClinGen allele CA399804780.

ClinVar aggregate classification (germline): Pathogenic (3 of 4 stars; one submission).

Conditions:
Glanzmann thrombasthenia. Also called: PLATELET GLYCOPROTEIN IIb-IIIa DEFICIENCY; Glanzmann's thrombasthenia; BLEEDING DISORDER, PLATELET-TYPE, 2; THROMBASTHENIA OF GLANZMANN AND NAEGELI; Thrombasthenia. Identifiers: Orphanet 849, MedGen C0040015, MONDO:0100326.

Submission:

ClinGen Platelet Disorders Variant Curation Expert Panel, ClinGen
Classification: Pathogenic for Glanzmann thrombasthenia. Last evaluated: 2022-05-17. Review status: reviewed by expert panel. Criteria: ClinGen Platelet ACMG Specifications v2-1. Collection method: curation. Allele origin: germline. Inheritance: Autosomal recessive inheritance.
Comment: The NM_000419.5(ITGA2B):c.957T>A (p.Tyr319Ter) variant in exon 11/30 is a nonsense variant predicted to lead to nonsense mediated decay in a gene in which loss-of-function is an established disease mechanism (PVS1). At least one patient (Patient GT12 in PMID:25373348) with this variant (compound heterozygous with c.2326_2331dup) displayed mucocutaneous bleeding and impaired aggregation with all agonists except ristocetin, which is highly specific for Glanzmann thrombasthenia. Additionally, alphaIIbbeta3 surface expression was severely reduced, as measured by flow cytometry. ITGA2B and ITGB3 were sequenced across all exons and intron/exon boundaries (PP4_strong). This variant is absent from gnomAD v2.1.1 (PM2_Supporting). In summary this variant meets criteria to be classified as Pathogenic for autosomal recessive Glanzmann Thrombasthenia based on the ACMG/AMP criteria applied, as specified by the ClinGen PD VCEP: PVS1, PP4_strong, PM2_supporting. (VCEP specifications version 2; date of approval 05/17/2022)